The following is an entry in ClinVar:

NM_004655.4(AXIN2):c.2012_2022del (p.Arg671fs)

Gene: AXIN2 (axin 2; minus strand). Cytogenetic location: 17q24.1.
Variant type: Deletion.
Coding change: c.2012_2022del on transcript NM_004655.4 (MANE Select); coding-DNA positions 2012 to 2022, 11 bases deleted (GCACCACCCCC).
Protein change: p.Arg671fs; shifts the reading frame from arginine 671.
Molecular consequence: frameshift variant.
Genome position (GRCh38, 1-based): chr17:65,536,439-65,536,449, GGGGGTGGTGC deleted on the plus strand (GCACCACCCCC on the coding strand, the reverse complement: AXIN2 is on the minus strand); deleting any 11 consecutive bases within chr17:65,536,439-65,536,456 gives the same sequence; the c. name uses the placement nearest the transcript's 3' end. VCF-style (leftmost placement, unchanged base first): chr17-65536438-GGGGGGTGGTGC-G. GRCh37 (hg19) VCF-style: chr17-63532556-GGGGGGTGGTGC-G.
Other names: c.1817_1827del, p.Arg606fs (NM_001363813.1); short protein forms R671fs, R606fs.
Identifiers: ClinVar variation 2091967 (VCV002091967.4), dbSNP rs2509402190, ClinGen allele CA2580094660.

ClinVar aggregate classification (germline): Pathogenic (1 of 4 stars; one submission).

Conditions:
Oligodontia-cancer predisposition syndrome. Also called: TOOTH AGENESIS-COLORECTAL CANCER SYNDROME. Identifiers: Orphanet 300576, MedGen C1837750, MONDO:0012075, OMIM 608615. Disease mechanism: loss of function.

Submission:

Labcorp Genetics (formerly Invitae), Labcorp
Classification: Pathogenic for Oligodontia-cancer predisposition syndrome. Last evaluated: 2022-02-02. Review status: criteria provided, single submitter. Criteria: Invitae Variant Classification Sherloc (09022015). Collection method: clinical testing. Allele origin: germline.
Comment: This sequence change creates a premature translational stop signal (p.Arg671Profs*32) in the AXIN2 gene. It is expected to result in an absent or disrupted protein product. Loss-of-function variants in AXIN2 are known to be pathogenic (PMID: 15042511, 21416598). This variant is not present in population databases (gnomAD no frequency). This variant has not been reported in the literature in individuals affected with AXIN2-related conditions. For these reasons, this variant has been classified as Pathogenic.

Literature cited by the submitters: PubMed 15042511; PubMed 21416598.